The following is an entry in ClinVar:

NM_003924.4(PHOX2B):c.709G>A (p.Gly237Ser)

Gene: PHOX2B (paired like homeobox 2B; minus strand). Cytogenetic location: 4p13.
Variant type: single nucleotide variant.
Coding change: c.709G>A on transcript NM_003924.4 (MANE Select); coding-DNA position 709, G replaced by A.
Protein change: p.Gly237Ser; replaces glycine 237 with serine.
Molecular consequence: missense variant.
Genome position (GRCh38, 1-based): chr4:41,746,043, C>T on the plus strand (G>A on the coding strand, the complement: PHOX2B is on the minus strand). VCF-style: chr4-41746043-C-T. GRCh37 (hg19) VCF-style: chr4-41748060-C-T.
Other names: short protein forms G237S.
Identifiers: ClinVar variation 1383560 (VCV001383560.9), dbSNP rs1256766962, ClinGen allele CA356737314.

ClinVar aggregate classification (germline): Uncertain significance. Review status: criteria provided, multiple submitters, no conflicts (2 of 4 stars). 2 submissions from 2 submitters: Uncertain significance (2). Last evaluated 2024-04-24.

Conditions:
Hereditary cancer-predisposing syndrome. Also called: Tumor predisposition; Neoplastic Syndromes, Hereditary; Hereditary Cancer Syndrome; Hereditary neoplastic syndrome. Identifiers: Orphanet 140162, MedGen C0027672, MeSH D009386, MONDO:0015356.
Haddad syndrome (OHD). Also called: Ondine-Hirschsprung disease. Identifiers: Orphanet 99803, MedGen C1859049, MONDO:0020493.

Submissions (2):

Ambry Genetics
Classification: Uncertain significance for Hereditary cancer-predisposing syndrome. Last evaluated: 2024-04-24. Review status: criteria provided, single submitter. Criteria: Ambry Variant Classification Scheme 2023. Collection method: clinical testing. Allele origin: germline.
Comment: The p.G237S variant (also known as c.709G>A), located in coding exon 3 of the PHOX2B gene, results from a G to A substitution at nucleotide position 709. The glycine at codon 237 is replaced by serine, an amino acid with similar properties. This amino acid position is well conserved in available vertebrate species. In addition, the in silico prediction for this alteration is inconclusive. Based on the available evidence, the clinical significance of this variant remains unclear.

Labcorp Genetics (formerly Invitae), Labcorp
Classification: Uncertain significance for Haddad syndrome. Last evaluated: 2023-01-08. Review status: criteria provided, single submitter. Criteria: Invitae Variant Classification Sherloc (09022015). Collection method: clinical testing. Allele origin: germline.
Comment: In summary, the available evidence is currently insufficient to determine the role of this variant in disease. Therefore, it has been classified as a Variant of Uncertain Significance. Advanced modeling of protein sequence and biophysical properties (such as structural, functional, and spatial information, amino acid conservation, physicochemical variation, residue mobility, and thermodynamic stability) performed at Invitae indicates that this missense variant is not expected to disrupt PHOX2B protein function. ClinVar contains an entry for this variant (Variation ID: 1383560). This variant has not been reported in the literature in individuals affected with PHOX2B-related conditions. This variant is not present in population databases (gnomAD no frequency). This sequence change replaces glycine, which is neutral and non-polar, with serine, which is neutral and polar, at codon 237 of the PHOX2B protein (p.Gly237Ser).